The following is an entry in ClinVar:

NM_033310.3(KCNK4):c.189+3G>A

Genes: KCNK4-CATSPERZ (KCNK4-CATSPERZ readthrough (NMD candidate); plus strand), KCNK4 (potassium two pore domain channel subfamily K member 4; plus strand). Cytogenetic location: 11q13.1.
Variant type: single nucleotide variant.
Coding change: c.189+3G>A on transcript NM_033310.3 (MANE Select); 3 bases into the intron after coding-DNA position 189, G replaced by A.
Molecular consequence: intron variant.
Genome position (GRCh38, 1-based): chr11:64,293,210, G>A. VCF-style: chr11-64293210-G-A. GRCh37 (hg19) VCF-style: chr11-64060682-G-A.
Other names: c.189+3G>A (NM_001317090.2).
Identifiers: ClinVar variation 2873429 (VCV002873429.3), dbSNP rs958013446, ClinGen allele CA223876445.

ClinVar aggregate classification (germline): Uncertain significance (1 of 4 stars; one submission).

Allele frequency attached by ClinVar (database versions not stated): gnomAD 0.00001; gnomAD exomes 0.00001; TOPMed 0.00001.
gnomAD v4.1: 8 of 1,449,952 alleles (0.00055%); highest among the groups gnomAD compares: African/African-American, 0.0014%; no homozygotes.

Submission:

Labcorp Genetics (formerly Invitae), Labcorp
Classification: Uncertain significance. Last evaluated: 2023-08-17. Review status: criteria provided, single submitter. Criteria: Invitae Variant Classification Sherloc (09022015). Collection method: clinical testing. Allele origin: germline.
Comment: In summary, the available evidence is currently insufficient to determine the role of this variant in disease. Therefore, it has been classified as a Variant of Uncertain Significance. This sequence change falls in intron 2 of the KCNK4 gene. It does not directly change the encoded amino acid sequence of the KCNK4 protein. It affects a nucleotide within the consensus splice site. This variant is present in population databases (no rsID available, gnomAD 0.004%). This variant has not been reported in the literature in individuals affected with KCNK4-related conditions. Variants that disrupt the consensus splice site are a relatively common cause of aberrant splicing (PMID: 17576681, 9536098). Algorithms developed to predict the effect of sequence changes on RNA splicing suggest that this variant is not likely to affect RNA splicing.

Literature cited by the submitters: PubMed 17576681; PubMed 9536098.